The following is an entry in ClinVar:

ClinVar aggregate classification (germline): Uncertain significance (1 of 4 stars; one submission).

Conditions:
Combined immunodeficiency due to DOCK8 deficiency (HIES2). Also called: HIES autosomal recessive; Hyper-IgE recurrent infection syndrome, autosomal recessive; HYPER-IgE RECURRENT INFECTION SYNDROME 2, AUTOSOMAL RECESSIVE; HYPER-IgE SYNDROME 2, AUTOSOMAL RECESSIVE, WITH RECURRENT INFECTIONS; DOCK8 Deficiency. Identifiers: Orphanet 217390, MedGen C4722305, MONDO:0009478, OMIM 243700.

Submission:

Labcorp Genetics (formerly Invitae), Labcorp
Classification: Uncertain significance for Combined immunodeficiency due to DOCK8 deficiency. Last evaluated: 2022-08-19. Review status: criteria provided, single submitter. Criteria: Invitae Variant Classification Sherloc (09022015). Collection method: clinical testing. Allele origin: germline.
Comment: In summary, the available evidence is currently insufficient to determine the role of this variant in disease. Therefore, it has been classified as a Variant of Uncertain Significance. This sequence change replaces alanine, which is neutral and non-polar, with valine, which is neutral and non-polar, at codon 702 of the DOCK8 protein (p.Ala702Val). This variant is not present in population databases (gnomAD no frequency). This variant has not been reported in the literature in individuals affected with DOCK8-related conditions. Algorithms developed to predict the effect of missense changes on protein structure and function are either unavailable or do not agree on the potential impact of this missense change (SIFT: "Tolerated"; PolyPhen-2: "Possibly Damaging"; Align-GVGD: "Class C0").

NM_203447.4(DOCK8):c.2105C>T (p.Ala702Val)

Gene: DOCK8 (dedicator of cytokinesis 8; plus strand). Cytogenetic location: 9p24.3.
Variant type: single nucleotide variant.
Coding change: c.2105C>T on transcript NM_203447.4 (MANE Select); coding-DNA position 2105, C replaced by T.
Protein change: p.Ala702Val; replaces alanine 702 with valine.
Molecular consequence: missense variant.
Genome position (GRCh38, 1-based): chr9:372,282, C>T. VCF-style: chr9-372282-C-T. GRCh37 (hg19) VCF-style: chr9-372282-C-T.
Other names: c.1901C>T, p.Ala634Val (NM_001190458.2, NM_001193536.2); short protein forms A634V, A702V.
Identifiers: ClinVar variation 1716729 (VCV001716729.6), dbSNP rs2538296905, ClinGen allele CA372762117.